The following is an entry in ClinVar:

ClinVar aggregate classification (germline): Pathogenic/Likely pathogenic. Review status: criteria provided, multiple submitters, no conflicts (2 of 4 stars). 3 submissions from 3 submitters: Pathogenic (1); Likely pathogenic (2). Last evaluated 2023-08-24.

Conditions:
Congenital myasthenic syndrome 10. Also called: Myasthenia, limb-girdle, familial. Identifiers: Orphanet 590, MedGen C1850792, MONDO:0009690, OMIM 254300.
Fetal akinesia deformation sequence 1 (FADS1). Also called: Fetal akinesia sequence; Pena-Shokeir syndrome type I. Identifiers: Orphanet 994, MedGen C1276035, MONDO:0100101, OMIM 208150, HP:0001989.
Congenital myasthenic syndrome (CMS). Also called: Congenital Myasthenic Syndromes. Identifiers: Orphanet 590, MedGen C0751882, MeSH D020294, MONDO:0018940.

Submissions (3):

Labcorp Genetics (formerly Invitae), Labcorp
Classification: Pathogenic for Congenital myasthenic syndrome 10; Fetal akinesia deformation sequence 1. Last evaluated: 2023-08-24. Review status: criteria provided, single submitter. Criteria: Invitae Variant Classification Sherloc (09022015). Collection method: clinical testing. Allele origin: germline.
Comment: For these reasons, this variant has been classified as Pathogenic. This variant disrupts a region of the DOK7 protein in which other variant(s) (p.Pro486Argfs*15) have been determined to be pathogenic (PMID: 29118959). This suggests that this is a clinically significant region of the protein, and that variants that disrupt it are likely to be disease-causing. ClinVar contains an entry for this variant (Variation ID: 1197436). This variant has not been reported in the literature in individuals affected with DOK7-related conditions. This variant is present in population databases (no rsID available, gnomAD 0.001%). This sequence change results in a frameshift in the DOK7 gene (p.His481Profs*38). While this is not anticipated to result in nonsense mediated decay, it is expected to disrupt the last 24 amino acid(s) of the DOK7 protein and extend the protein by 13 additional amino acid residues.

Women's Health and Genetics/Laboratory Corporation of America, LabCorp
Classification: Likely pathogenic for Congenital myasthenic syndrome. Last evaluated: 2022-08-23. Review status: criteria provided, single submitter. Criteria: LabCorp Variant Classification Summary - May 2015. Collection method: clinical testing. Allele origin: germline.
Comment: Variant summary: DOK7 c.1441dupC (p.His481ProfsX38) causes a frameshift located in exon 7 (i.e. in the last exon), which results in an extension of the protein. The variant is not expected to cause nonsense mediated decay (NMD), but is predicted to remove a part of the 504 amino acid long protein, and replacing it with an incorrect sequence. The variant allele was found at a frequency of 4.7e-06 in 214840 control chromosomes (gnomAD). To our knowledge, no occurrence of c.1441dupC in individuals affected with Congenital Myasthenic Syndrome and no experimental evidence demonstrating its impact on protein function have been reported. However, frame-shift variants downstream from our position (i.e. His481) are reported in individuals affected with congenital myasthenic syndrome (HGMD). One clinical diagnostic laboratory has submitted clinical-significance assessments for this variant to ClinVar after 2014 and classified the variant as likely pathogenic. Based on the evidence outlined above, the variant was classified as likely pathogenic.

GeneDx
Classification: Likely pathogenic. Last evaluated: 2019-04-02. Review status: criteria provided, single submitter. Criteria: GeneDx Variant Classification Process June 2021. Collection method: clinical testing. Allele origin: germline. Affected: yes.
Comment: Frameshift variant in the C-terminus where the last 24 amino acids are lost and replaced with 37 incorrect amino acids; Not observed at a significant frequency in large population cohorts (Lek et al., 2016); Has not been previously published as pathogenic or benign to our knowledge

Literature cited by the submitters: PubMed 29118959 (cited by Labcorp Genetics (formerly Invitae), Labcorp).

NM_173660.5(DOK7):c.1441dup (p.His481fs)

Gene: DOK7 (docking protein 7; plus strand). Cytogenetic location: 4p16.3.
Variant type: Duplication.
Coding change: c.1441dup on transcript NM_173660.5 (MANE Select); coding-DNA position 1441, one base duplicated (C; older notation c.1441dupC).
Protein change: p.His481fs; shifts the reading frame from histidine 481.
Molecular consequence: frameshift variant. On other transcripts: 3 prime UTR variant (1).
Genome position (GRCh38, 1-based): chr4:3,493,427, C duplicated; the last of 5 consecutive C bases (chr4:3,493,423-3,493,427); duplicating any one gives the same sequence. VCF-style (leftmost placement, unchanged base first): chr4-3493422-G-GC. GRCh37 (hg19) VCF-style: chr4-3495149-G-GC.
Other names: c.*662dup (NM_001164673.2); c.511dup, p.His171fs (NM_001256896.2); c.1441dup, p.His481fs (NM_001301071.2); c.1009dup, p.His337fs (NM_001363811.2); short protein forms H171fs, H337fs, H481fs.
Identifiers: ClinVar variation 1197436 (VCV001197436.6), dbSNP rs1168106708, ClinGen allele CA549706318.